The following is an entry in ClinVar:

NM_001130009.3(GEN1):c.2499A>C (p.Lys833Asn)

Gene: GEN1 (GEN1 structure-specific endonuclease; plus strand). Cytogenetic location: 2p24.2.
Variant type: single nucleotide variant.
Coding change: c.2499A>C on transcript NM_001130009.3 (MANE Select); coding-DNA position 2499, A replaced by C.
Protein change: p.Lys833Asn; replaces lysine 833 with asparagine.
Molecular consequence: missense variant.
Genome position (GRCh38, 1-based): chr2:17,781,711, A>C. VCF-style: chr2-17781711-A-C. GRCh37 (hg19) VCF-style: chr2-17962978-A-C.
Other names: c.2499A>C, p.Lys833Asn (NM_182625.5); short protein forms K833N.
Identifiers: ClinVar variation 3853577 (VCV003853577.2).
Genomic context (GRCh38, chr2:17,781,711, plus strand): 5'-TAAGTACACAACTCAAAGAATGAAGCACAGTTCTCAAAAGCATAATTCATCCCATTTCAA[A>C]GAAAGTGGCCATAACAAGTTGAGTAGCCCTAAGATACATATTAAAGAAACTGAACAGTGT-3'
Protein context (NP_001123481.3, residues 823-843): SSQKHNSSHF[Lys833Asn]ESGHNKLSSP

ClinVar aggregate classification (germline): Uncertain significance. Review status: criteria provided, multiple submitters, no conflicts (2 of 4 stars). 2 submissions from 2 submitters: Uncertain significance (2). Last evaluated 2025-07-08.

Submissions (2):

Labcorp Genetics (formerly Invitae), Labcorp
Classification: Uncertain significance. Last evaluated: 2025-07-08. Review status: criteria provided, single submitter. Criteria: Invitae Variant Classification Sherloc (09022015). Collection method: clinical testing. Allele origin: germline.
Comment: This sequence change replaces lysine, which is basic and polar, with asparagine, which is neutral and polar, at codon 833 of the GEN1 protein (p.Lys833Asn). This variant is present in population databases (rs765184069, gnomAD 0.0009%). This variant has not been reported in the literature in individuals affected with GEN1-related conditions. ClinVar contains an entry for this variant (Variation ID: 3853577). An algorithm developed to predict the effect of missense changes on protein structure and function (PolyPhen-2) suggests that this variant is likely to be disruptive. In summary, the available evidence is currently insufficient to determine the role of this variant in disease. Therefore, it has been classified as a Variant of Uncertain Significance.

Ambry Genetics
Classification: Uncertain significance. Last evaluated: 2025-02-16. Review status: criteria provided, single submitter. Criteria: Ambry Variant Classification Scheme 2023. Collection method: clinical testing. Allele origin: germline.
Comment: The p.K833N variant (also known as c.2499A>C), located in coding exon 13 of the GEN1 gene, results from an A to C substitution at nucleotide position 2499. The lysine at codon 833 is replaced by asparagine, an amino acid with similar properties. This amino acid position is conserved. In addition, this alteration is predicted to be tolerated by in silico analysis. Based on the available evidence, the clinical significance of this variant remains unclear.